The following is an entry in ClinVar:

NM_004572.4:c.(1170+1_1171-1)_(1688+1_1689-1)dup

Gene: PKP2 (plakophilin 2; minus strand).
Variant type: Duplication.
Other names: c.(1170+1_1171-1)_(1688+1_1689-1)dup (NM_004572.4).
Identifiers: ClinVar variation 4530634 (VCV004530634.1).

ClinVar aggregate classification (germline): Likely pathogenic (1 of 4 stars; one submission).

Conditions:
Arrhythmogenic right ventricular dysplasia 9 (ARVD9). Also called: ARRHYTHMOGENIC RIGHT VENTRICULAR DYSPLASIA, FAMILIAL, 9; Arrhythmogenic Right Ventricular Dysplasia/Cardiomyopathy 9. Identifiers: MedGen C1836906, MONDO:0012180, OMIM 609040.

Submission:

KardioGenetik, Herz- und Diabeteszentrum NRW
Classification: Likely pathogenic for Arrhythmogenic right ventricular dysplasia 9. Last evaluated: 2025-10-10. Review status: criteria provided, single submitter. Criteria: ACMG Guidelines, 2015. Collection method: clinical testing. Allele origin: unknown. Affected: yes. Observed: 1 variant allele.
Comment: The identified variant represents a heterozygous duplication of exons 5–7 in the PKP2 gene. This variant is classified as likely pathogenic. According to PMID 25640679, copy number duplications are most often tandem duplications, in which the duplicated segment is positioned directly adjacent to the original fragment and therefore can affect the synthesized protein. In this case, a duplication located directly 3′ to the original sequence would theoretically result in a frameshift, thereby fulfilling the known pathogenic mechanism of disease-causing PKP2 variants. Data on the allele frequency of this variant in population cohorts are not available in the gnomAD database. No entries regarding multi-exon duplications in PKP2 are listed in the ClinVar database. The Human Gene Mutation Database (HGMD) lists duplications of exons 8–10 and exon 1 of the PKP2 gene in association with ARVC. No further information is available regarding duplications of exons 5–7. (PVS1_strong, PM2_supporting, PP4)

Literature cited by the submitters: PubMed 25640679.